The following is an entry in ClinVar:

ClinVar aggregate classification (germline): Pathogenic (1 of 4 stars; one submission).

Conditions:
Intellectual developmental disorder, X-linked 1. Also called: Atkin Flaitz Patil Smith syndrome; Intellectual disability, X-linked 1; MENTAL RETARDATION, X-LINKED 18; MENTAL RETARDATION, X-LINKED 78. Identifiers: Orphanet 777, MedGen C2931498, MONDO:0010656, OMIM 309530.

Submission:

Labcorp Genetics (formerly Invitae), Labcorp
Classification: Pathogenic for Intellectual developmental disorder, X-linked 1. Last evaluated: 2020-07-03. Review status: criteria provided, single submitter. Criteria: Invitae Variant Classification Sherloc (09022015). Collection method: clinical testing. Allele origin: germline.
Comment: This sequence change creates a premature translational stop signal (p.Ile1080Leufs*22) in the IQSEC2 gene. It is expected to result in an absent or disrupted protein product. This variant is not present in population databases (ExAC no frequency). For these reasons, this variant has been classified as Pathogenic. Loss-of-function variants in IQSEC2 are known to be pathogenic (PMID: 21686261, 26793055, 27665735). This variant has not been reported in the literature in individuals with IQSEC2-related conditions.

Literature cited by the submitters: PubMed 21686261; PubMed 26793055; PubMed 27665735.

NM_001111125.3(IQSEC2):c.3237del (p.Ile1080fs)

Gene: IQSEC2 (IQ motif and Sec7 domain ArfGEF 2; minus strand). Cytogenetic location: Xp11.22.
Variant type: Deletion.
Coding change: c.3237del on transcript NM_001111125.3 (MANE Select); coding-DNA position 3237, one base deleted (C; older notation c.3237delC).
Protein change: p.Ile1080fs; shifts the reading frame from isoleucine 1080.
Molecular consequence: frameshift variant.
Genome position (GRCh38, 1-based): chrX:53,238,185, G deleted on the plus strand (C on the coding strand, the reverse complement: IQSEC2 is on the minus strand); the first of 2 consecutive G bases (chrX:53,238,185-53,238,186); deleting either gives the same sequence. VCF-style (leftmost placement, unchanged base first): chrX-53238184-TG-T. GRCh37 (hg19) VCF-style: chrX-53267366-TG-T.
Other names: c.2622del, p.Ile875fs (NM_015075.2); short protein forms I1080fs, I875fs.
Identifiers: ClinVar variation 1074866 (VCV001074866.7), dbSNP rs2147026571, ClinGen allele CA2499226782.